The following is an entry in ClinVar:

NM_032043.3(BRIP1):c.463C>G (p.Gln155Glu)

Gene: BRIP1 (BRCA1 interacting DNA helicase 1; minus strand). Cytogenetic location: 17q23.2.
Variant type: single nucleotide variant.
Coding change: c.463C>G on transcript NM_032043.3 (MANE Select); coding-DNA position 463, C replaced by G.
Protein change: p.Gln155Glu; replaces glutamine 155 with glutamic acid.
Molecular consequence: missense variant.
Genome position (GRCh38, 1-based): chr17:61,849,173, G>C on the plus strand (C>G on the coding strand, the complement: BRIP1 is on the minus strand). VCF-style: chr17-61849173-G-C. GRCh37 (hg19) VCF-style: chr17-59926534-G-C.
Other names: short protein forms Q155E.
Identifiers: ClinVar variation 1000099 (VCV001000099.9), dbSNP rs587781786, ClinGen allele CA400484436.

ClinVar aggregate classification (germline): Uncertain significance (1 of 4 stars; one submission).

Conditions:
Familial cancer of breast. Also called: hereditary breast carcinoma; Hereditary breast cancer; BREAST CANCER, FAMILIAL. Identifiers: Orphanet 227535, MedGen C0346153, MONDO:0016419, OMIM 114480. Disease mechanism: loss of function.
Fanconi anemia complementation group J. Also called: BRIP1-Related Fanconi Anemia. Identifiers: Orphanet 84, MedGen C1836860, MONDO:0012187, OMIM 609054.

Submission:

Labcorp Genetics (formerly Invitae), Labcorp
Classification: Uncertain significance for Familial cancer of breast; Fanconi anemia complementation group J. Last evaluated: 2020-08-27. Review status: criteria provided, single submitter. Criteria: Invitae Variant Classification Sherloc (09022015). Collection method: clinical testing. Allele origin: germline.
Comment: In summary, the available evidence is currently insufficient to determine the role of this variant in disease. Therefore, it has been classified as a Variant of Uncertain Significance. Algorithms developed to predict the effect of missense changes on protein structure and function are either unavailable or do not agree on the potential impact of this missense change (SIFT: "Tolerated"; PolyPhen-2: "Possibly Damaging"; Align-GVGD: "Class C0"). This variant has not been reported in the literature in individuals with BRIP1-related conditions. This variant is not present in population databases (ExAC no frequency). This sequence change replaces glutamine with glutamic acid at codon 155 of the BRIP1 protein (p.Gln155Glu). The glutamine residue is moderately conserved and there is a small physicochemical difference between glutamine and glutamic acid.